The following is an entry in ClinVar:

NM_000018.4(ACADVL):c.1848G>C (p.Glu616Asp)

Gene: ACADVL (acyl-CoA dehydrogenase very long chain; plus strand). Cytogenetic location: 17p13.1.
Variant type: single nucleotide variant.
Coding change: c.1848G>C on transcript NM_000018.4 (MANE Select); coding-DNA position 1848, G replaced by C.
Protein change: p.Glu616Asp; replaces glutamic acid 616 with aspartic acid.
Molecular consequence: missense variant.
Genome position (GRCh38, 1-based): chr17:7,224,977, G>C. VCF-style: chr17-7224977-G-C. GRCh37 (hg19) VCF-style: chr17-7128296-G-C.
Other names: c.1782G>C, p.Glu594Asp (NM_001033859.3); c.1917G>C, p.Glu639Asp (NM_001270447.2); c.1620G>C, p.Glu540Asp (NM_001270448.2); short protein forms E616D, E639D, E540D, E594D.
Identifiers: ClinVar variation 1044592 (VCV001044592.8), dbSNP rs372886650, ClinGen allele CA397726022.

ClinVar aggregate classification (germline): Uncertain significance (1 of 4 stars; one submission).

Conditions:
Very long chain acyl-CoA dehydrogenase deficiency (ACADVLD). Also called: VLCAD Deficiency; Very Long-Chain Acyl-Coenzyme A Dehydrogenase Deficiency. Identifiers: Orphanet 26793, MedGen C3887523, MONDO:0008723, OMIM 201475.

Submission:

Labcorp Genetics (formerly Invitae), Labcorp
Classification: Uncertain significance for Very long chain acyl-CoA dehydrogenase deficiency. Last evaluated: 2021-01-28. Review status: criteria provided, single submitter. Criteria: Invitae Variant Classification Sherloc (09022015). Collection method: clinical testing. Allele origin: germline.
Comment: This sequence change replaces glutamic acid with aspartic acid at codon 616 of the ACADVL protein (p.Glu616Asp). The glutamic acid residue is moderately conserved and there is a small physicochemical difference between glutamic acid and aspartic acid. In summary, the available evidence is currently insufficient to determine the role of this variant in disease. Therefore, it has been classified as a Variant of Uncertain Significance. Algorithms developed to predict the effect of missense changes on protein structure and function (SIFT, PolyPhen-2, Align-GVGD) all suggest that this variant is likely to be tolerated, but these predictions have not been confirmed by published functional studies and their clinical significance is uncertain. This variant has not been reported in the literature in individuals with ACADVL-related conditions. This variant is not present in population databases (ExAC no frequency).